The following is an entry in ClinVar:

NM_017433.5(MYO3A):c.1748G>A (p.Cys583Tyr)

Gene: MYO3A (myosin IIIA; plus strand). Cytogenetic location: 10p12.1.
Variant type: single nucleotide variant.
Coding change: c.1748G>A on transcript NM_017433.5 (MANE Select); coding-DNA position 1748, G replaced by A.
Protein change: p.Cys583Tyr; replaces cysteine 583 with tyrosine.
Molecular consequence: missense variant.
Genome position (GRCh38, 1-based): chr10:26,096,654, G>A. VCF-style: chr10-26096654-G-A. GRCh37 (hg19) VCF-style: chr10-26385583-G-A.
Other names: short protein forms C583Y.
Identifiers: ClinVar variation 4992867 (VCV004992867.1).

ClinVar aggregate classification (germline): Uncertain significance (1 of 4 stars; one submission).

Conditions:
MYO3A-related disorder. Also called: MYO3A-related condition.

gnomAD v4.1: 7 of 1,591,322 alleles (0.00044%); highest among the groups gnomAD compares: Non-Finnish European, 0.00052%; no homozygotes.

Submission:

PreventionGenetics, part of Exact Sciences
Classification: Uncertain significance for MYO3A-related condition. Last evaluated: 2026-07-20. Review status: criteria provided, single submitter. Criteria: ACMG Guidelines, 2015. Collection method: clinical testing. Allele origin: germline.
Comment: The MYO3A c.1748G>A variant is predicted to result in the amino acid substitution p.Cys583Tyr. To our knowledge, this variant has not been reported in the literature. This variant is reported in 0.0035% of alleles in individuals of European (Non-Finnish) descent in gnomAD. At this time, the clinical significance of this variant is uncertain due to the absence of conclusive functional and genetic evidence.